The following is an entry in ClinVar:

NM_000264.5(PTCH1):c.2572G>A (p.Ala858Thr)

Gene: PTCH1 (patched 1; minus strand). Cytogenetic location: 9q22.32.
Variant type: single nucleotide variant.
Coding change: c.2572G>A on transcript NM_000264.5 (MANE Select); coding-DNA position 2572, G replaced by A.
Protein change: p.Ala858Thr; replaces alanine 858 with threonine.
Molecular consequence: missense variant. On other transcripts: non-coding transcript variant (1).
Genome position (GRCh38, 1-based): chr9:95,461,987, C>T on the plus strand (G>A on the coding strand, the complement: PTCH1 is on the minus strand). VCF-style: chr9-95461987-C-T. GRCh37 (hg19) VCF-style: chr9-98224269-C-T.
Other names: c.2572G>A (NM_000264.3); c.2374G>A, p.Ala792Thr (NM_001083602.3); c.2569G>A, p.Ala857Thr (NM_001083603.3); c.2119G>A, p.Ala707Thr (NM_001083604.3, NM_001083605.3, NM_001083606.3 and 1 more transcripts); c.2416G>A, p.Ala806Thr (NM_001354918.2); short protein forms A857T, A707T, A806T, A792T, A858T.
Identifiers: ClinVar variation 1416321 (VCV001416321.9), dbSNP rs1703756604, ClinGen allele CA374113573.

ClinVar aggregate classification (germline): Uncertain significance. Review status: criteria provided, multiple submitters, no conflicts (2 of 4 stars). 2 submissions from 2 submitters: Uncertain significance (2). Last evaluated 2024-12-02.

Conditions:
Gorlin syndrome. Also called: Nevoid Basal Cell Carcinoma Syndrome; Basal cell nevus syndrome. Identifiers: Orphanet 377, MedGen C0004779, MONDO:0007187.
Hereditary cancer-predisposing syndrome. Also called: Hereditary neoplastic syndrome; Neoplastic Syndromes, Hereditary; Hereditary Cancer Syndrome; Tumor predisposition. Identifiers: Orphanet 140162, MedGen C0027672, MeSH D009386, MONDO:0015356.

Allele frequency attached by ClinVar (database versions not stated): TOPMed 0.00001.

Submissions (2):

Ambry Genetics
Classification: Uncertain significance for Hereditary cancer-predisposing syndrome. Last evaluated: 2024-12-02. Review status: criteria provided, single submitter. Criteria: Ambry Variant Classification Scheme 2023. Collection method: clinical testing. Allele origin: germline.
Comment: The p.A858T variant (also known as c.2572G>A), located in coding exon 16 of the PTCH1 gene, results from a G to A substitution at nucleotide position 2572. The alanine at codon 858 is replaced by threonine, an amino acid with similar properties. This amino acid position is conserved. In addition, the in silico prediction for this alteration is inconclusive. Based on the available evidence, the clinical significance of this variant remains unclear.

Labcorp Genetics (formerly Invitae), Labcorp
Classification: Uncertain significance for Gorlin syndrome. Last evaluated: 2023-04-27. Review status: criteria provided, single submitter. Criteria: Invitae Variant Classification Sherloc (09022015). Collection method: clinical testing. Allele origin: germline.
Comment: In summary, the available evidence is currently insufficient to determine the role of this variant in disease. Therefore, it has been classified as a Variant of Uncertain Significance. Advanced modeling of protein sequence and biophysical properties (such as structural, functional, and spatial information, amino acid conservation, physicochemical variation, residue mobility, and thermodynamic stability) performed at Invitae indicates that this missense variant is not expected to disrupt PTCH1 protein function. ClinVar contains an entry for this variant (Variation ID: 1416321). This variant has not been reported in the literature in individuals affected with PTCH1-related conditions. This variant is not present in population databases (gnomAD no frequency). This sequence change replaces alanine, which is neutral and non-polar, with threonine, which is neutral and polar, at codon 858 of the PTCH1 protein (p.Ala858Thr).